The following is an entry in ClinVar:

NM_003000.3(SDHB):c.105A>G (p.Thr35=)

Gene: SDHB (succinate dehydrogenase complex iron sulfur subunit B; minus strand). Cytogenetic location: 1p36.13.
Variant type: single nucleotide variant.
Coding change: c.105A>G on transcript NM_003000.3 (MANE Select); coding-DNA position 105, A replaced by G.
Protein change: p.Thr35=; no amino-acid change (threonine 35 retained).
Molecular consequence: synonymous variant.
Genome position (GRCh38, 1-based): chr1:17,044,856, T>C on the plus strand (A>G on the coding strand, the complement: SDHB is on the minus strand). VCF-style: chr1-17044856-T-C. GRCh37 (hg19) VCF-style: chr1-17371351-T-C.
Other names: c.105A>G, p.Thr35= (NM_001407361.1).
Identifiers: ClinVar variation 3385989 (VCV003385989.2).

ClinVar aggregate classification (germline): Likely benign. Review status: criteria provided, multiple submitters, no conflicts (2 of 4 stars). 2 submissions from 2 submitters: Likely benign (2). Last evaluated 2025-11-18.

Conditions:
Pheochromocytoma. Also called: MAX-Related Hereditary Paraganglioma-Pheochromocytoma Syndrome. Identifiers: Orphanet 29072, MedGen C0031511, MONDO:0008233, OMIM 171300, HP:0002666.
Pheochromocytoma/paraganglioma syndrome 4. Also called: CAROTID BODY TUMORS AND MULTIPLE EXTRAADRENAL PHEOCHROMOCYTOMAS; PARAGANGLIOMA, FAMILIAL MALIGNANT; PARAGANGLIOMAS, HEREDITARY EXTRAADRENAL; PHEOCHROMOCYTOMA, FAMILIAL EXTRAADRENAL; Paragangliomas 4; SDHB-Related Hereditary Paraganglioma-Pheochromocytoma Syndrome (Paragangliomas 4). Identifiers: Orphanet 29072, MedGen C1861848, MONDO:0007273, OMIM 115310.
Gastrointestinal stromal tumor. Also called: Gastrointestinal stromal tumor, somatic; Gastrointestinal stroma tumor. Identifiers: Orphanet 44890, MedGen C0238198, MeSH D046152, MONDO:0011719, OMIM 606764, HP:0100723.
Hereditary pheochromocytoma and paraganglioma. Also called: Hereditary Paraganglioma-Pheochromocytoma Syndromes; Hereditary paragangliomas and pheochromocytomas; Hereditary pheochromocytoma-paraganglioma. Identifiers: Orphanet 29072, MedGen C4274332, MONDO:0017366.

Submissions (2):

Labcorp Genetics (formerly Invitae), Labcorp
Classification: Likely benign for Gastrointestinal stromal tumor; Pheochromocytoma/paraganglioma syndrome 4; Pheochromocytoma. Last evaluated: 2025-11-18. Review status: criteria provided, single submitter. Criteria: Invitae Variant Classification Sherloc (09022015). Collection method: clinical testing. Allele origin: germline.

All of Us Research Program, National Institutes of Health
Classification: Likely benign for Hereditary pheochromocytoma and paraganglioma. Last evaluated: 2024-02-22. Review status: criteria provided, single submitter. Criteria: ACMG Guidelines, 2015. Collection method: clinical testing. Allele origin: germline. Inheritance: Autosomal dominant inheritance. Observed: 1 variant allele, 1 heterozygote.
Comment: This study involves interpretation of variants in research participants for the purpose of population health screening. Participant phenotype was not available at the time of variant classification. Additional details can be found in publication PMID: 35346344, PMCID: PMC8962531